The following is an entry in ClinVar:

ClinVar aggregate classification (germline): Pathogenic/Likely pathogenic. Review status: criteria provided, multiple submitters, no conflicts (2 of 4 stars). 2 submissions from 2 submitters: Pathogenic (1); Likely pathogenic (1). Last evaluated 2024-10-31.

Conditions:
Alport syndrome. Also called: Hemorrhagic familial nephritis; Hemorrhagic hereditary nephritis; Congenital hereditary hematuria. Identifiers: Orphanet 63, MedGen C1567741, MONDO:0018965.
Autosomal recessive Alport syndrome (ATS2). Also called: COL4A4 Alport Syndrome and Thin Basement Membrane Nephropathy; ALPORT SYNDROME 2, AUTOSOMAL RECESSIVE; Alport syndrome type 2; COL4A3-Related Nephropathy. Identifiers: Orphanet 63, Orphanet 88919, MedGen C4746745, MONDO:0008762, OMIM 203780.

Submissions (2):

Natera, Inc.
Classification: Likely pathogenic for Alport syndrome. Last evaluated: 2024-10-31. Review status: criteria provided, single submitter. Criteria: Natera Variant Classification Schema (03/2026). Collection method: clinical testing. Allele origin: germline.
Comment: The c.4625G>A variant in COL4A4 is a nonsense variant predicted to introduce a stop codon at amino acid 1542. This variant is expected to result in nonsense mediated decay, truncation, or a dysfunctional protein product. This variant is rare in the general population with a frequency below the threshold expected for the associated phenotype(s). Given the available evidence, this variant is classified as Likely Pathogenic.

MVZ Medizinische Genetik Mainz
Classification: Pathogenic for Autosomal recessive Alport syndrome. Last evaluated: 2022-02-25. Review status: criteria provided, single submitter. Criteria: UK Practice Guidelines For Variant Classification V4 01 2020. Collection method: clinical testing. Allele origin: germline. Inheritance: Autosomal dominant inheritance. Affected: yes. Observed: 1 variant allele.
Comment: ACMG Criteria: PVS1, PM2_SUP, PP4

NM_000092.5(COL4A4):c.4625G>A (p.Trp1542Ter)

Gene: COL4A4 (collagen type IV alpha 4 chain; minus strand). Cytogenetic location: 2q36.3.
Variant type: single nucleotide variant.
Coding change: c.4625G>A on transcript NM_000092.5 (MANE Select); coding-DNA position 4625, G replaced by A.
Protein change: p.Trp1542Ter; replaces tryptophan 1542 with a stop codon.
Molecular consequence: nonsense.
Genome position (GRCh38, 1-based): chr2:227,008,202, C>T on the plus strand (G>A on the coding strand, the complement: COL4A4 is on the minus strand). VCF-style: chr2-227008202-C-T. GRCh37 (hg19) VCF-style: chr2-227872918-C-T.
Other names: short protein forms W1542*.
Identifiers: ClinVar variation 3234042 (VCV003234042.2), dbSNP rs2472612326, ClinGen allele CA351140818.